The following is an entry in ClinVar:

NM_138967.4(SCAMP5):c.301A>C (p.Ser101Arg)

Gene: SCAMP5 (secretory carrier membrane protein 5; plus strand). Cytogenetic location: 15q24.2.
Variant type: single nucleotide variant.
Coding change: c.301A>C on transcript NM_138967.4 (MANE Select); coding-DNA position 301, A replaced by C.
Protein change: p.Ser101Arg; replaces serine 101 with arginine.
Molecular consequence: missense variant. On other transcripts: non-coding transcript variant (1).
Genome position (GRCh38, 1-based): chr15:75,017,877, A>C. VCF-style: chr15-75017877-A-C. GRCh37 (hg19) VCF-style: chr15-75310218-A-C.
Other names: c.301A>C, p.Ser101Arg (NM_001178111.2, NM_001178112.2); short protein forms S101R.
Identifiers: ClinVar variation 4823645 (VCV004823645.4).

ClinVar aggregate classification (germline): Uncertain significance (1 of 4 stars; one submission).

Submission:

CeGaT Center for Human Genetics Tuebingen
Classification: Uncertain significance. Last evaluated: 2026-03-01. Review status: criteria provided, single submitter. Criteria: CeGaT Center For Human Genetics Tuebingen Variant Classification Criteria Version 2. Collection method: clinical testing. Allele origin: germline. Affected: yes. Observed: 1 variant allele.
Comment: SCAMP5: PM2